The following is an entry in ClinVar:

ClinVar aggregate classification (germline): Pathogenic. Review status: criteria provided, multiple submitters, no conflicts (2 of 4 stars). 2 submissions from 2 submitters: Pathogenic (2). Last evaluated 2024-03-22.

Conditions:
Hereditary cancer-predisposing syndrome. Also called: Neoplastic Syndromes, Hereditary; Tumor predisposition; Hereditary neoplastic syndrome; Hereditary Cancer Syndrome. Identifiers: Orphanet 140162, MedGen C0027672, MeSH D009386, MONDO:0015356.
Hereditary diffuse gastric adenocarcinoma (HDGC). Also called: DIFFUSE GASTRIC AND LOBULAR BREAST CANCER SYNDROME. Identifiers: Orphanet 26106, MedGen C1708349, MONDO:0007648, OMIM 137215.

Submissions (2):

Ambry Genetics
Classification: Pathogenic for Hereditary cancer-predisposing syndrome. Last evaluated: 2024-03-22. Review status: criteria provided, single submitter. Criteria: Ambry Variant Classification Scheme 2023. Collection method: clinical testing. Allele origin: germline.
Comment: The p.C28* pathogenic mutation (also known as c.84C>A), located in coding exon 2 of the CDH1 gene, results from a C to A substitution at nucleotide position 84. This changes the amino acid from a cysteine to a stop codon within coding exon 2. This alteration is expected to result in loss of function by premature protein truncation or nonsense-mediated mRNA decay. As such, this alteration is interpreted as a disease-causing mutation.

Myriad Genetics, Inc.
Classification: Pathogenic for Hereditary diffuse gastric adenocarcinoma. Last evaluated: 2023-06-08. Review status: criteria provided, single submitter. Criteria: Myriad Autosomal Dominant, Autosomal Recessive and X-Linked Classification Criteria (2023). Collection method: clinical testing. Allele origin: unknown.
Comment: This variant is considered pathogenic. This variant creates a termination codon and is predicted to result in premature protein truncation.

NM_004360.5(CDH1):c.84C>A (p.Cys28Ter)

Gene: CDH1 (cadherin 1; plus strand). Cytogenetic location: 16q22.1.
Variant type: single nucleotide variant.
Coding change: c.84C>A on transcript NM_004360.5 (MANE Select); coding-DNA position 84, C replaced by A.
Protein change: p.Cys28Ter; replaces cysteine 28 with a stop codon.
Molecular consequence: nonsense. On other transcripts: 5 prime UTR variant (2).
Genome position (GRCh38, 1-based): chr16:68,738,332, C>A. VCF-style: chr16-68738332-C-A. GRCh37 (hg19) VCF-style: chr16-68772235-C-A.
Other names: c.84C>A, p.Cys28Ter (NM_001317184.2); c.-1532C>A (NM_001317185.2); c.-1736C>A (NM_001317186.2); short protein forms C28*.
Identifiers: ClinVar variation 1763626 (VCV001763626.4), dbSNP rs587780789, ClinGen allele CA396451818.